The following is an entry in ClinVar:

NM_001267550.2(TTN):c.20579T>C (p.Leu6860Pro)

Gene: TTN (titin; minus strand). Cytogenetic location: 2q31.2.
Variant type: single nucleotide variant.
Coding change: c.20579T>C on transcript NM_001267550.2 (MANE Select); coding-DNA position 20579, T replaced by C.
Protein change: p.Leu6860Pro; replaces leucine 6860 with proline.
Molecular consequence: missense variant. On other transcripts: intron variant (3).
Genome position (GRCh38, 1-based): chr2:178,725,625, A>G on the plus strand (T>C on the coding strand, the complement: TTN is on the minus strand). VCF-style: chr2-178725625-A-G. GRCh37 (hg19) VCF-style: chr2-179590352-A-G.
Other names: c.19628T>C, p.Leu6543Pro (NM_001256850.1); c.16847T>C, p.Leu5616Pro (NM_133378.4); c.13282+12457T>C (NM_003319.4); c.13858+12457T>C (NM_133437.4); c.13657+12457T>C (NM_133432.3); short protein forms L6860P, L5616P, L6543P.
Identifiers: ClinVar variation 535368 (VCV000535368.7), dbSNP rs767944090, ClinGen allele CA60974941.

ClinVar aggregate classification (germline): Conflicting classifications of pathogenicity. Review status: criteria provided, conflicting classifications (1 of 4 stars). 5 submissions from 5 submitters: Uncertain significance (3); Likely benign (2). Last evaluated 2026-03-27.

Conditions:
Myopathy, myofibrillar, 9, with early respiratory failure (MFM9). Also called: Hereditary myopathy with early respiratory failure; EDSTROM MYOPATHY; MYOPATHY, PROXIMAL, WITH EARLY RESPIRATORY MUSCLE INVOLVEMENT; Myopathy, distal, with early respiratory failure, autosomal dominant. Identifiers: Orphanet 178464, Orphanet 34521, MedGen C1863599, MONDO:0011362, OMIM 603689.
Dilated cardiomyopathy 1G (CMD1G). Identifiers: Orphanet 154, MedGen C1858763, MONDO:0011400, OMIM 604145.
Early-onset myopathy with fatal cardiomyopathy (CMYO5). Also called: CONGENITAL MYOPATHY 5 WITH CARDIOMYOPATHY; Salih Myopathy. Identifiers: Orphanet 289377, MedGen C2673677, MONDO:0012714, OMIM 611705. Disease mechanism: loss of function.
Autosomal recessive limb-girdle muscular dystrophy type 2J (LGMDR10). Also called: Limb-girdle muscular dystrophy, type 2J; MUSCULAR DYSTROPHY, LIMB-GIRDLE, AUTOSOMAL RECESSIVE 10. Identifiers: Orphanet 140922, MedGen C1837342, MONDO:0012127, OMIM 608807.
Tibial muscular dystrophy (TMD). Also called: Udd Distal Myopathy – Tibial Muscular Dystrophy; UDD MYOPATHY; Tibial muscular dystrophy, tardive. Identifiers: Orphanet 609, MedGen C1838244, MONDO:0010870, OMIM 600334.
Hypertrophic cardiomyopathy 9. Also called: Familial hypertrophic cardiomyopathy 9. Identifiers: MedGen C1861065, MONDO:0013412, OMIM 613765.

Allele frequency attached by ClinVar (database versions not stated): gnomAD 0.00001; TOPMed 0.00002.
gnomAD v4.1: 13 of 1,591,538 alleles (0.00082%); highest among the groups gnomAD compares: Non-Finnish European, 0.0011%; no homozygotes.

Submissions (5):

Molecular Diagnostic Laboratory for Inherited Cardiovascular Disease, Montreal Heart Institute
Classification: Likely benign. Last evaluated: 2026-03-27. Review status: criteria provided, single submitter. Criteria: ACMG Guidelines, 2015. Collection method: clinical testing. Allele origin: germline. Affected: no.
Comment: BP1

Blueprint Genetics
Classification: Likely benign. Last evaluated: 2024-11-15. Review status: criteria provided, single submitter. Criteria: ACMG Guidelines, 2015. Collection method: clinical testing. Allele origin: germline.

Women's Health and Genetics/Laboratory Corporation of America, LabCorp
Classification: Uncertain significance. Last evaluated: 2024-05-30. Review status: criteria provided, single submitter. Criteria: LabCorp Variant Classification Summary - May 2015. Collection method: clinical testing. Allele origin: germline.
Comment: Variant summary: TTN c.16847T>C (p.Leu5616Pro) results in a non-conservative amino acid change located in the I-band region of the encoded protein sequence. Two of four in-silico tools predict a damaging effect of the variant on protein function. The variant allele was found at a frequency of 2.2e-05 in 230330 control chromosomes (gnomAD). The available data on variant occurrences in the general population are insufficient to allow any conclusion about variant significance. To our knowledge, no occurrence of c.16847T>C in individuals affected with Limb-Girdle Muscular Dystrophy, Type 2J and no experimental evidence demonstrating its impact on protein function have been reported. ClinVar contains an entry for this variant (Variation ID: 535368). Based on the evidence outlined above, the variant was classified as uncertain significance.

Fulgent Genetics
Classification: Uncertain significance for Tibial muscular dystrophy; Myopathy, myofibrillar, 9, with early respiratory failure; Dilated cardiomyopathy 1G; Autosomal recessive limb-girdle muscular dystrophy type 2J; Early-onset myopathy with fatal cardiomyopathy; Hypertrophic cardiomyopathy 9. Last evaluated: 2021-08-23. Review status: criteria provided, single submitter. Criteria: ACMG Guidelines, 2015. Collection method: clinical testing. Allele origin: unknown.

Labcorp Genetics (formerly Invitae), Labcorp
Classification: Uncertain significance for Dilated cardiomyopathy 1G; Autosomal recessive limb-girdle muscular dystrophy type 2J. Last evaluated: 2017-09-14. Review status: criteria provided, single submitter. Criteria: Invitae Variant Classification Sherloc (09022015). Collection method: clinical testing. Allele origin: germline.